The following is an entry in ClinVar:

ClinVar aggregate classification (germline): Uncertain significance. Review status: criteria provided, multiple submitters, no conflicts (2 of 4 stars). 2 submissions from 2 submitters: Uncertain significance (2). Last evaluated 2026-01-26.

gnomAD v4.1: 1 of 1,612,804 alleles (0.000062%); highest among the groups gnomAD compares: Non-Finnish European, 0.000085%; no homozygotes.

Submissions (2):

Ambry Genetics
Classification: Uncertain significance. Last evaluated: 2026-01-26. Review status: criteria provided, single submitter. Criteria: Ambry Variant Classification Scheme 2023. Collection method: clinical testing. Allele origin: germline.
Comment: The p.P613A variant (also known as c.1837C>G), located in coding exon 8 of the RNF43 gene, results from a C to G substitution at nucleotide position 1837. The proline at codon 613 is replaced by alanine, an amino acid with highly similar properties. This amino acid position is conserved. In addition, this alteration is predicted to be tolerated by in silico analysis. Based on the available evidence, the clinical significance of this variant remains unclear.

Labcorp Genetics (formerly Invitae), Labcorp
Classification: Uncertain significance. Last evaluated: 2024-04-06. Review status: criteria provided, single submitter. Criteria: Invitae Variant Classification Sherloc (09022015). Collection method: clinical testing. Allele origin: germline.
Comment: This sequence change replaces proline, which is neutral and non-polar, with alanine, which is neutral and non-polar, at codon 613 of the RNF43 protein (p.Pro613Ala). This variant is present in population databases (no rsID available, gnomAD 0.0009%). This variant has not been reported in the literature in individuals affected with RNF43-related conditions. An algorithm developed to predict the effect of missense changes on protein structure and function (PolyPhen-2) suggests that this variant is likely to be tolerated. In summary, the available evidence is currently insufficient to determine the role of this variant in disease. Therefore, it has been classified as a Variant of Uncertain Significance.

NM_017763.6(RNF43):c.1837C>G (p.Pro613Ala)

Gene: RNF43 (ring finger protein 43; minus strand). Cytogenetic location: 17q22.
Variant type: single nucleotide variant.
Coding change: c.1837C>G on transcript NM_017763.6 (MANE Select); coding-DNA position 1837, C replaced by G.
Protein change: p.Pro613Ala; replaces proline 613 with alanine.
Molecular consequence: missense variant.
Genome position (GRCh38, 1-based): chr17:58,357,939, G>C on the plus strand (C>G on the coding strand, the complement: RNF43 is on the minus strand). VCF-style: chr17-58357939-G-C. GRCh37 (hg19) VCF-style: chr17-56435300-G-C.
Other names: c.1456C>G, p.Pro486Ala (NM_001305545.2); c.1837C>G, p.Pro613Ala (NM_001305544.3); c.1837C>G (NM_017763.4); short protein forms P486A, P613A.
Identifiers: ClinVar variation 3624927 (VCV003624927.3).